The following is an entry in ClinVar:

ClinVar aggregate classification (germline): Uncertain significance. Review status: criteria provided, multiple submitters, no conflicts (2 of 4 stars). 2 submissions from 2 submitters: Uncertain significance (2). Last evaluated 2025-09-04.

Conditions:
Inborn genetic diseases. Identifiers: MedGen C0950123, MeSH D030342.

Allele frequency attached by ClinVar (database versions not stated): gnomAD 0.00001; gnomAD exomes 0.00002 and 0.00008; TOPMed 0.00004.
gnomAD v4.1: 14 of 1,533,276 alleles (0.00091%); highest among the groups gnomAD compares: Admixed American, 0.026%; no homozygotes.

Submissions (2):

Ambry Genetics
Classification: Uncertain significance for Inborn genetic diseases. Last evaluated: 2025-09-04. Review status: criteria provided, single submitter. Criteria: Ambry Variant Classification Scheme 2023. Collection method: clinical testing. Allele origin: germline.

Labcorp Genetics (formerly Invitae), Labcorp
Classification: Uncertain significance. Last evaluated: 2025-02-24. Review status: criteria provided, single submitter. Criteria: Invitae Variant Classification Sherloc (09022015). Collection method: clinical testing. Allele origin: germline.
Comment: This sequence change replaces valine, which is neutral and non-polar, with methionine, which is neutral and non-polar, at codon 31 of the DPYS protein (p.Val31Met). The frequency data for this variant in the population databases is considered unreliable, as metrics indicate poor data quality at this position in the gnomAD database. This variant has not been reported in the literature in individuals affected with DPYS-related conditions. ClinVar contains an entry for this variant (Variation ID: 1402808). Invitae Evidence Modeling of protein sequence and biophysical properties (such as structural, functional, and spatial information, amino acid conservation, physicochemical variation, residue mobility, and thermodynamic stability) indicates that this missense variant is not expected to disrupt DPYS protein function with a negative predictive value of 80%. In summary, the available evidence is currently insufficient to determine the role of this variant in disease. Therefore, it has been classified as a Variant of Uncertain Significance.

NM_001385.3(DPYS):c.91G>A (p.Val31Met)

Gene: DPYS (dihydropyrimidinase; minus strand). Cytogenetic location: 8q22.3.
Variant type: single nucleotide variant.
Coding change: c.91G>A on transcript NM_001385.3 (MANE Select); coding-DNA position 91, G replaced by A.
Protein change: p.Val31Met; replaces valine 31 with methionine.
Molecular consequence: missense variant.
Genome position (GRCh38, 1-based): chr8:104,466,830, C>T on the plus strand (G>A on the coding strand, the complement: DPYS is on the minus strand). VCF-style: chr8-104466830-C-T. GRCh37 (hg19) VCF-style: chr8-105479058-C-T.
Other names: c.91G>A (NM_001385.2); short protein forms V31M.
Identifiers: ClinVar variation 1402808 (VCV001402808.7), dbSNP rs1236883950, ClinGen allele CA371939377.